The following is an entry in ClinVar:

ClinVar aggregate classification (germline): Uncertain significance (1 of 4 stars; one submission).

Submission:

Labcorp Genetics (formerly Invitae), Labcorp
Classification: Uncertain significance. Last evaluated: 2024-10-16. Review status: criteria provided, single submitter. Criteria: Invitae Variant Classification Sherloc (09022015). Collection method: clinical testing. Allele origin: germline.
Comment: This sequence change creates a premature translational stop signal (p.Gln353Serfs*6) in the SRP72 gene. It is expected to result in an absent or disrupted protein product. However, the current clinical and genetic evidence is not sufficient to establish whether loss-of-function variants in SRP72 cause disease. This variant is not present in population databases (gnomAD no frequency). This variant has not been reported in the literature in individuals affected with SRP72-related conditions. In summary, the available evidence is currently insufficient to determine the role of this variant in disease. Therefore, it has been classified as a Variant of Uncertain Significance.

NM_006947.4(SRP72):c.1057del (p.Gln353fs)

Gene: SRP72 (signal recognition particle 72; plus strand). Cytogenetic location: 4q12.
Variant type: Deletion.
Coding change: c.1057del on transcript NM_006947.4 (MANE Select); coding-DNA position 1057, one base deleted (C; older notation c.1057delC).
Protein change: p.Gln353fs; shifts the reading frame from glutamine 353.
Molecular consequence: frameshift variant. On other transcripts: non-coding transcript variant (1).
Genome position (GRCh38, 1-based): chr4:56,484,835, C deleted. VCF-style (leftmost placement, unchanged base first): chr4-56484834-GC-G. GRCh37 (hg19) VCF-style: chr4-57351000-GC-G.
Other names: c.874del, p.Gln292fs (NM_001267722.2); short protein forms Q292fs, Q353fs.
Identifiers: ClinVar variation 3676957 (VCV003676957.2).